The following is an entry in ClinVar:

ClinVar aggregate classification (germline): Pathogenic (1 of 4 stars; one submission).

Conditions:
Polyglandular autoimmune syndrome, type 1 (APS1). Also called: Whitaker syndrome; Autoimmune polyendocrinopathy syndrome, type I; Autoimmune polyendocrine syndrome type 1; AUTOIMMUNE POLYENDOCRINE SYNDROME, TYPE I, WITH OR WITHOUT REVERSIBLE METAPHYSEAL DYSPLASIA; APS I; HYPOADRENOCORTICISM WITH HYPOPARATHYROIDISM AND SUPERFICIAL MONILIASIS. Identifiers: Orphanet 3453, MedGen C0085859, MONDO:0009411, OMIM 240300.

Submission:

Myriad Genetics, Inc.
Classification: Pathogenic for Polyglandular autoimmune syndrome, type 1. Last evaluated: 2023-09-27. Review status: criteria provided, single submitter. Criteria: Myriad Autosomal Dominant, Autosomal Recessive and X-Linked Classification Criteria (2023). Collection method: clinical testing. Allele origin: unknown.
Comment: NM_000383.3(AIRE):c.1214dupC(L406Afs*18) is expected to be pathogenic in the context of autoimmune polyglandular syndrome type 1. This variant is predicted to lead to an abnormal or absent protein product due to the creation of a premature termination codon in AIRE, a gene where loss-of-function variants are known to be pathogenic. Please note: this variant was assessed in the context of healthy population screening.

NM_000383.4(AIRE):c.1214dup (p.Leu406fs)

Gene: AIRE (autoimmune regulator; plus strand). Cytogenetic location: 21q22.3.
Variant type: Duplication.
Coding change: c.1214dup on transcript NM_000383.4 (MANE Select); coding-DNA position 1214, one base duplicated (C; older notation c.1214dupC).
Protein change: p.Leu406fs; shifts the reading frame from leucine 406.
Molecular consequence: frameshift variant.
Genome position (GRCh38, 1-based): chr21:44,293,111, C duplicated; the last of 4 consecutive C bases (chr21:44,293,108-44,293,111); duplicating any one gives the same sequence. VCF-style (leftmost placement, unchanged base first): chr21-44293107-G-GC. GRCh37 (hg19) VCF-style: chr21-45712990-G-GC.
Other names: short protein forms L406fs.
Identifiers: ClinVar variation 5012180 (VCV005012180.1).